The following is an entry in ClinVar:

NM_004369.4(COL6A3):c.2750G>A (p.Gly917Asp)

Gene: COL6A3 (collagen type VI alpha 3 chain; minus strand). Cytogenetic location: 2q37.3.
Variant type: single nucleotide variant.
Coding change: c.2750G>A on transcript NM_004369.4 (MANE Select); coding-DNA position 2750, G replaced by A.
Protein change: p.Gly917Asp; replaces glycine 917 with aspartic acid.
Molecular consequence: missense variant.
Genome position (GRCh38, 1-based): chr2:237,377,092, C>T on the plus strand (G>A on the coding strand, the complement: COL6A3 is on the minus strand). VCF-style: chr2-237377092-C-T. GRCh37 (hg19) VCF-style: chr2-238285735-C-T.
Other names: c.929G>A, p.Gly310Asp (NM_057166.5); c.2132G>A, p.Gly711Asp (NM_057167.4, NM_057165.5); c.1529G>A, p.Gly510Asp (NM_057164.5); c.2750G>A (NM_004369.3); short protein forms G310D, G917D, G711D, G510D.
Identifiers: ClinVar variation 1506728 (VCV001506728.9), dbSNP rs2106364518, ClinGen allele CA351210457.
Genomic context (GRCh38, chr2:237,377,092, plus strand): 5'-TCGATCCGGCTGCCAGCAGACTTCACAAAAATGTACCTCTGTGCATAGTCCAGCGCGTAG[C>T]CCAGGTTGAGGGCTTTGCCCGTCTTGATCTTCATTCTCTTCACAAGATTCAGGATCTCAG-3'
Protein context (NP_004360.2, residues 907-927): KIKTGKALNL[Gly917Asp]YALDYAQRYI

ClinVar aggregate classification (germline): Uncertain significance (1 of 4 stars; one submission).

Conditions:
Bethlem myopathy 1A. Also called: MYOPATHY, BENIGN CONGENITAL, WITH CONTRACTURES; Bethlem myopathy 1; Bethlem Muscular Dystrophy. Identifiers: Orphanet 610, MedGen CN029274, MONDO:0024530, OMIM 158810.
Dystonia 27 (DYT27). Identifiers: Orphanet 464440, MedGen C4225336, MONDO:0014627, OMIM 616411.
Collagen 6-related myopathy. Identifiers: MedGen CN117976, MONDO:0100225.
Ullrich congenital muscular dystrophy 1A. Also called: Ullrich congenital muscular dystrophy 1; Intermediate COL6-RD. Identifiers: Orphanet 75840, MedGen C0410179, MONDO:0009681, OMIM 254090.

Submission:

Labcorp Genetics (formerly Invitae), Labcorp
Classification: Uncertain significance for Bethlem myopathy 1A. Last evaluated: 2022-07-25. Review status: criteria provided, single submitter. Criteria: Invitae Variant Classification Sherloc (09022015). Collection method: clinical testing. Allele origin: germline.
Comment: This sequence change replaces glycine, which is neutral and non-polar, with aspartic acid, which is acidic and polar, at codon 917 of the COL6A3 protein (p.Gly917Asp). This variant is not present in population databases (gnomAD no frequency). In summary, the available evidence is currently insufficient to determine the role of this variant in disease. Therefore, it has been classified as a Variant of Uncertain Significance. Advanced modeling of protein sequence and biophysical properties (such as structural, functional, and spatial information, amino acid conservation, physicochemical variation, residue mobility, and thermodynamic stability) performed at Invitae indicates that this missense variant is expected to disrupt COL6A3 protein function. ClinVar contains an entry for this variant (Variation ID: 1506728). This variant has not been reported in the literature in individuals affected with COL6A3-related conditions.